The following is an entry in ClinVar:

ClinVar aggregate classification (germline): Uncertain significance (1 of 4 stars; one submission).

Submission:

GeneDx
Classification: Uncertain significance. Last evaluated: 2019-10-09. Review status: criteria provided, single submitter. Criteria: GeneDx Variant Classification Process June 2021. Collection method: clinical testing. Allele origin: germline. Affected: yes.
Comment: Has not been previously published as pathogenic or benign to our knowledge; Not observed in large population cohorts (Lek et al., 2016); In silico analysis, which includes protein predictors and evolutionary conservation, supports a deleterious effect

NM_018109.4(MTPAP):c.352T>G (p.Phe118Val)

Gene: MTPAP (mitochondrial poly(A) polymerase; minus strand). Cytogenetic location: 10p11.23.
Variant type: single nucleotide variant.
Coding change: c.352T>G on transcript NM_018109.4 (MANE Select); coding-DNA position 352, T replaced by G.
Protein change: p.Phe118Val; replaces phenylalanine 118 with valine.
Molecular consequence: missense variant.
Genome position (GRCh38, 1-based): chr10:30,340,429, A>C on the plus strand (T>G on the coding strand, the complement: MTPAP is on the minus strand). VCF-style: chr10-30340429-A-C. GRCh37 (hg19) VCF-style: chr10-30629358-A-C.
Other names: short protein forms F118V.
Identifiers: ClinVar variation 1309354 (VCV001309354.2), dbSNP rs2132868006, ClinGen allele CA376428200.